The following is an entry in ClinVar:

NM_014244.5(ADAMTS2):c.928del (p.His310fs)

Gene: ADAMTS2 (ADAM metallopeptidase with thrombospondin type 1 motif 2; minus strand). Cytogenetic location: 5q35.3.
Variant type: Deletion.
Coding change: c.928del on transcript NM_014244.5 (MANE Select); coding-DNA position 928, one base deleted (C; older notation c.928delC).
Protein change: p.His310fs; shifts the reading frame from histidine 310.
Molecular consequence: frameshift variant.
Genome position (GRCh38, 1-based): chr5:179,181,119, G deleted on the plus strand (C on the coding strand, the reverse complement: ADAMTS2 is on the minus strand); the first of 3 consecutive G bases (chr5:179,181,119-179,181,121); deleting any one gives the same sequence. VCF-style (leftmost placement, unchanged base first): chr5-179181118-TG-T. GRCh37 (hg19) VCF-style: chr5-178608119-TG-T.
Other names: c.928del, p.His310fs (NM_021599.4); short protein forms H310fs.
Identifiers: ClinVar variation 1726910 (VCV001726910.2), dbSNP rs2480319482, ClinGen allele CA2580074092.

ClinVar aggregate classification (germline): Likely pathogenic (1 of 4 stars; one submission).

Conditions:
Ehlers-Danlos syndrome, dermatosparaxis type. Also called: Dermatosparaxis; EDS VIIC; Ehlers-Danlos syndrome, type VII, autosomal recessive. Identifiers: Orphanet 1901, MedGen C2700425, MONDO:0009161, OMIM 225410.

Submission:

Myriad Genetics, Inc.
Classification: Likely pathogenic for Ehlers-Danlos syndrome, dermatosparaxis type. Last evaluated: 2022-01-02. Review status: criteria provided, single submitter. Criteria: Myriad Women's Health Autosomal Recessive and X-Linked Classification Criteria (2021). Collection method: clinical testing. Allele origin: unknown.
Comment: NM_014244.4(ADAMTS2):c.928delC(H310Tfs*12) is expected to be pathogenic in the context of Ehlers-Danlos syndrome type VIIC. This variant is predicted to lead to an abnormal or absent protein product due to the creation of a premature termination codon in ADAMTS2, a gene where loss-of-function variants are known to be pathogenic. Please note: this variant was assessed in the context of healthy population screening.